The following is an entry in ClinVar:

ClinVar aggregate classification (germline): Likely pathogenic (1 of 4 stars; one submission).

Conditions:
Neurodevelopmental disorder with cerebellar atrophy and with or without seizures. Identifiers: MedGen C4748032, MONDO:0020841, OMIM 618056.

Submission:

Molecular Genetics Department, Kulakov National Medical Research Center for Obstetrics, Gynecology and Perinatology
Classification: Likely pathogenic for Neurodevelopmental disorder with cerebellar atrophy and with or without seizures. Review status: criteria provided, single submitter. Criteria: ACMG Guidelines, 2015. Collection method: clinical testing. Allele origin: germline. Affected: yes. Observed: 1 variant allele.
Comment: A previously undescribed heterozygous nucleotide variant creates a frameshift p.Pro547ValfsTer20 in the BRAT1 gene. Homozygous and compound heterozygous variants are reported in patients with neurodevelopmental disorder with cerebellar atrophy and with or without seizures, 618056. The variant frequency in population database gnomAD is 0.00006%. In summary, the currently available evidence indicates that the variant is pathogenic, but additional data are needed to prove that conclusively. Therefore, this variant has been classified as likely pathogenic.

NM_152743.4(BRAT1):c.1640del (p.Pro547fs)

Gene: BRAT1 (BRCA1 associated ATM activator 1; minus strand). Cytogenetic location: 7p22.3.
Variant type: Deletion.
Coding change: c.1640del on transcript NM_152743.4 (MANE Select); coding-DNA position 1640, one base deleted (C; older notation c.1640delC).
Protein change: p.Pro547fs; shifts the reading frame from proline 547.
Molecular consequence: frameshift variant. On other transcripts: non-coding transcript variant (1).
Genome position (GRCh38, 1-based): chr7:2,539,309, G deleted on the plus strand (C on the coding strand, the reverse complement: BRAT1 is on the minus strand); the first of 2 consecutive G bases (chr7:2,539,309-2,539,310); deleting either gives the same sequence. VCF-style (leftmost placement, unchanged base first): chr7-2539308-AG-A. GRCh37 (hg19) VCF-style: chr7-2578942-AG-A.
Other names: c.1640del, p.Pro547fs (NM_001350626.2); c.1115del, p.Pro372fs (NM_001350627.2); short protein forms P547fs, P372fs.
Identifiers: ClinVar variation 4294494 (VCV004294494.1).